The following is an entry in ClinVar:

NM_001110556.2(FLNA):c.5850T>C (p.Ala1950=)

Gene: FLNA (filamin A; minus strand). Cytogenetic location: Xq28.
Variant type: single nucleotide variant.
Coding change: c.5850T>C on transcript NM_001110556.2 (MANE Select); coding-DNA position 5850, T replaced by C.
Protein change: p.Ala1950=; no amino-acid change (alanine 1950 retained).
Molecular consequence: synonymous variant.
Genome position (GRCh38, 1-based): chrX:154,353,564, A>G on the plus strand (T>C on the coding strand, the complement: FLNA is on the minus strand). VCF-style: chrX-154353564-A-G. GRCh37 (hg19) VCF-style: chrX-153581932-A-G.
Other names: p.A1942A:GCT>GCC; p.Ala1942=; c.5826T>C, p.Ala1942= (NM_001456.4).
Identifiers: ClinVar variation 93766 (VCV000093766.46), dbSNP rs2070825, ClinGen allele CA285489.

ClinVar aggregate classification (germline): Benign/Likely benign. Review status: criteria provided, multiple submitters, no conflicts (2 of 4 stars). 15 submissions from 15 submitters: Benign (11); Likely benign (1). 3 of the submissions do not count toward it. Last evaluated 2026-02-04.

Conditions:
Heterotopia, periventricular, X-linked dominant (PVNH1). Also called: PERIVENTRICULAR NODULAR HETEROTOPIA 1; X-linked periventricular heterotopia; PERIVENTRICULAR NODULAR HETEROTOPIA 4; HETEROTOPIA, PERIVENTRICULAR, 1. Identifiers: Orphanet 2149, Orphanet 82004, MedGen C1848213, MONDO:0010233, OMIM 300049.
Frontometaphyseal dysplasia (FMD1). Identifiers: Orphanet 1826, MedGen C0265293, MONDO:0015942.
Melnick-Needles syndrome (MNS). Also called: Melnick-Needles Syndrome (FLNA-MNS); MELNICK-NEEDLES OSTEODYSPLASTY; OSTEODYSPLASTY OF MELNICK AND NEEDLES. Identifiers: Orphanet 2484, MedGen C0025237, MONDO:0010650, OMIM 309350.
Oto-palato-digital syndrome, type II (OPD2). Also called: Otopalatodigital Syndrome Type 2 (FLNA-OPD2); FACIOPALATOOSSEOUS SYNDROME; OPD II SYNDROME; Otopalatodigital Syndrome, Type II. Identifiers: Orphanet 669, Orphanet 90652, MedGen C1844696, MONDO:0010571, OMIM 304120.
Familial thoracic aortic aneurysm and aortic dissection (TAAD). Also called: Thoracic aortic aneurysms and dissections. Identifiers: Orphanet 91387, MedGen C4707243, MONDO:0019625.

Allele frequency attached by ClinVar (database versions not stated): gnomAD exomes 0.12816 and 0.15550; ExAC 0.16086; gnomAD 0.22495 and 0.22980; TOPMed 0.23964; ESP Exome Variant Server 0.24397; 1000 Genomes Project 0.25404; 1000 Genomes Project 30x 0.26327.
gnomAD v4.1: 166,360 of 1,209,033 alleles (14%); highest among the groups gnomAD compares: African/African-American, 50%; 11,142 homozygotes.

Submissions (15):

Labcorp Genetics (formerly Invitae), Labcorp
Classification: Benign for Oto-palato-digital syndrome, type II; Heterotopia, periventricular, X-linked dominant; Frontometaphyseal dysplasia; Melnick-Needles syndrome. Last evaluated: 2026-02-04. Review status: criteria provided, single submitter. Criteria: Invitae Variant Classification Sherloc (09022015). Collection method: clinical testing. Allele origin: germline.

ARUP Laboratories, Molecular Genetics and Genomics, ARUP Laboratories
Classification: Benign. Last evaluated: 2025-07-24. Review status: criteria provided, single submitter. Criteria: ARUP Molecular Germline Variant Investigation Process 2024. Collection method: clinical testing. Allele origin: germline.

Molecular Diagnostic Laboratory for Inherited Cardiovascular Disease, Montreal Heart Institute
Classification: Benign. Last evaluated: 2025-04-09. Review status: criteria provided, single submitter. Criteria: ACMG Guidelines, 2015. Collection method: clinical testing. Allele origin: germline. Affected: no.

Blueprint Genetics
Classification: Likely benign. Last evaluated: 2024-11-28. Review status: criteria provided, single submitter. Criteria: ACMG Guidelines, 2015. Collection method: clinical testing. Allele origin: germline.

Women's Health and Genetics/Laboratory Corporation of America, LabCorp
Classification: Benign. Last evaluated: 2023-04-10. Review status: criteria provided, single submitter. Criteria: LabCorp Variant Classification Summary - May 2015. Collection method: clinical testing. Allele origin: germline.

Mayo Clinic Laboratories, Mayo Clinic
Classification: Benign. Last evaluated: 2022-09-29. Review status: criteria provided, single submitter. Criteria: ACMG Guidelines, 2015. Collection method: clinical testing. Allele origin: germline. Observed: 1,623 variant alleles.

Ambry Genetics
Classification: Benign for Familial thoracic aortic aneurysm and aortic dissection. Last evaluated: 2014-12-30. Review status: criteria provided, single submitter. Criteria: Ambry Variant Classification Scheme 2023. Collection method: clinical testing. Allele origin: germline.

Eurofins Ntd Llc (ga)
Classification: Benign. Last evaluated: 2014-06-05. Review status: criteria provided, single submitter. Criteria: EGL Classification Definitions 2015. Collection method: clinical testing. Allele origin: germline. Observed: 22 variant alleles, 11 heterozygotes, 4 homozygotes, 7 hemizygotes.

GeneDx
Classification: Benign. Last evaluated: 2013-12-19. Review status: criteria provided, single submitter. Criteria: GeneDx Variant Classification (06012015). Collection method: clinical testing. Allele origin: germline. Affected: yes.
Comment: This variant is considered likely benign or benign based on one or more of the following criteria: it is a conservative change, it occurs at a poorly conserved position in the protein, it is predicted to be benign by multiple in silico algorithms, and/or has population frequency not consistent with disease.

Claritas Genomics
Classification: Benign. Last evaluated: 2012-04-17. Review status: criteria provided, single submitter. Criteria: ACMG Guidelines, 2007. Collection method: clinical testing. Allele origin: germline. Inheritance: X-linked inheritance.

Breakthrough Genomics
Classification: Benign. Review status: criteria provided, single submitter. Criteria: ACMG Guidelines, 2015. Collection method: not provided. Allele origin: germline. Inheritance: X-linked inheritance. Affected: yes.

PreventionGenetics, part of Exact Sciences
Classification: Benign. Review status: criteria provided, single submitter. Criteria: ACMG Guidelines, 2015. Collection method: clinical testing. Allele origin: germline.

Clinical Genetics DNA and cytogenetics Diagnostics Lab, Erasmus MC, Erasmus Medical Center
Classification: Benign. Review status: no assertion criteria provided. Collection method: clinical testing. Allele origin: germline. Affected: yes. Study: VKGL Data-share Consensus. Not counted in ClinVar's aggregate classification.

Genetic Services Laboratory, University of Chicago
Classification: Likely benign for AllHighlyPenetrant. Review status: no assertion criteria provided. Collection method: clinical testing. Allele origin: germline. Inheritance: X-linked inheritance. Not counted in ClinVar's aggregate classification.
Comment: Likely benign based on allele frequency in 1000 Genomes Project or ESP global frequency and its presence in a patient with a rare or unrelated disease phenotype. NOT Sanger confirmed.

Genome Diagnostics Laboratory, Amsterdam University Medical Center
Classification: Benign. Review status: no assertion criteria provided. Collection method: clinical testing. Allele origin: germline. Affected: yes. Study: VKGL Data-share Consensus. Not counted in ClinVar's aggregate classification.